The following is an entry in ClinVar:

ClinVar aggregate classification (germline): Pathogenic (1 of 4 stars; one submission).

Conditions:
Deafness-lymphedema-leukemia syndrome. Also called: Emberger syndrome; Lymphedema, primary, with myelodysplasia. Identifiers: Orphanet 3226, MedGen C3279664, MONDO:0013540, OMIM 614038.
GATA2 deficiency with susceptibility to MDS/AML. Identifiers: MedGen CN300066, MONDO:0042982.

Submission:

Molecular Pathology Research Laboratory, SA Pathology
Classification: Pathogenic for GATA2 deficiency with susceptibility to MDS/AML; Deafness-lymphedema-leukemia syndrome. Last evaluated: 2021-07-06. Review status: criteria provided, single submitter. Criteria: ACMG Guidelines, 2015. Collection method: curation. Allele origin: unknown. Inheritance: Autosomal dominant inheritance. Affected: yes. Observed: 1 variant allele.
Comment: PVS1, PS4_Supporting, PM2

Literature cited by the submitters: PubMed 29230432.

NM_032638.5(GATA2):c.869C>A (p.Ser290Ter)

Gene: GATA2 (GATA binding protein 2; minus strand). Cytogenetic location: 3q21.3.
Variant type: single nucleotide variant.
Coding change: c.869C>A on transcript NM_032638.5 (MANE Select); coding-DNA position 869, C replaced by A.
Protein change: p.Ser290Ter; replaces serine 290 with a stop codon.
Molecular consequence: nonsense.
Genome position (GRCh38, 1-based): chr3:128,485,729, G>T on the plus strand (C>A on the coding strand, the complement: GATA2 is on the minus strand). VCF-style: chr3-128485729-G-T. GRCh37 (hg19) VCF-style: chr3-128204572-G-T.
Other names: c.869C>A, p.Ser290Ter (NM_001145661.2, NM_001145662.1); short protein forms S290*.
Identifiers: ClinVar variation 1184235 (VCV001184235.1), dbSNP rs2068685370, ClinGen allele CA354405092.